The following is an entry in ClinVar:

NM_004629.2(FANCG):c.1181C>T (p.Pro394Leu)

Gene: FANCG (FA complementation group G; minus strand). Cytogenetic location: 9p13.3.
Variant type: single nucleotide variant.
Coding change: c.1181C>T on transcript NM_004629.2 (MANE Select); coding-DNA position 1181, C replaced by T.
Protein change: p.Pro394Leu; replaces proline 394 with leucine.
Molecular consequence: missense variant.
Genome position (GRCh38, 1-based): chr9:35,075,717, G>A on the plus strand (C>T on the coding strand, the complement: FANCG is on the minus strand). VCF-style: chr9-35075717-G-A. GRCh37 (hg19) VCF-style: chr9-35075714-G-A.
Other names: short protein forms P394L.
Identifiers: ClinVar variation 4022558 (VCV004022558.1).

ClinVar aggregate classification (germline): Uncertain significance (1 of 4 stars; one submission).

Conditions:
Inborn genetic diseases. Identifiers: MedGen C0950123, MeSH D030342.

Submission:

Ambry Genetics
Classification: Uncertain significance for Inborn genetic diseases. Last evaluated: 2025-06-09. Review status: criteria provided, single submitter. Criteria: Ambry Variant Classification Scheme 2023. Collection method: clinical testing. Allele origin: germline.
Comment: The p.P394L variant (also known as c.1181C>T), located in coding exon 10 of the FANCG gene, results from a C to T substitution at nucleotide position 1181. The proline at codon 394 is replaced by leucine, an amino acid with similar properties. This amino acid position is conserved. In addition, the in silico prediction for this alteration is inconclusive. Based on the available evidence, the clinical significance of this variant remains unclear.